The following is an entry in ClinVar:

ClinVar aggregate classification (germline): Uncertain significance (1 of 4 stars; one submission).

Submission:

Labcorp Genetics (formerly Invitae), Labcorp
Classification: Uncertain significance. Last evaluated: 2021-07-25. Review status: criteria provided, single submitter. Criteria: Invitae Variant Classification Sherloc (09022015). Collection method: clinical testing. Allele origin: germline.
Comment: This variant is not present in population databases (ExAC no frequency). This sequence change replaces glycine with glutamic acid at codon 872 of the PCDH15 protein (p.Gly872Glu). The glycine residue is highly conserved and there is a moderate physicochemical difference between glycine and glutamic acid. This variant has not been reported in the literature in individuals affected with PCDH15-related conditions. In summary, the available evidence is currently insufficient to determine the role of this variant in disease. Therefore, it has been classified as a Variant of Uncertain Significance. Algorithms developed to predict the effect of missense changes on protein structure and function are either unavailable or do not agree on the potential impact of this missense change (SIFT: "Deleterious"; PolyPhen-2: "Probably Damaging"; Align-GVGD: "Class C0").

NM_001384140.1(PCDH15):c.2615G>A (p.Gly872Glu)

Gene: PCDH15 (protocadherin related 15; minus strand). Cytogenetic location: 10q21.1.
Variant type: single nucleotide variant.
Coding change: c.2615G>A on transcript NM_001384140.1 (MANE Select); coding-DNA position 2615, G replaced by A.
Protein change: p.Gly872Glu; replaces glycine 872 with glutamic acid.
Molecular consequence: missense variant.
Genome position (GRCh38, 1-based): chr10:54,020,328, C>T on the plus strand (G>A on the coding strand, the complement: PCDH15 is on the minus strand). VCF-style: chr10-54020328-C-T. GRCh37 (hg19) VCF-style: chr10-55780088-C-T.
Other names: c.2630G>A, p.Gly877Glu (NM_001142763.2, NM_001142771.2); c.2615G>A, p.Gly872Glu (NM_001142764.2, NM_001142766.2, NM_001142770.3 and 5 more transcripts); c.2402G>A, p.Gly801Glu (NM_001142765.2); c.2504G>A, p.Gly835Glu (NM_001142767.2); c.2549G>A, p.Gly850Glu (NM_001142768.2, NM_001142773.2, NM_001354404.2); c.2651G>A, p.Gly884Glu (NM_001142769.4); c.2636G>A, p.Gly879Glu (NM_001354411.2); short protein forms G835E, G850E, G884E, G879E, G801E, G872E, G877E.
Identifiers: ClinVar variation 1407233 (VCV001407233.8), dbSNP rs2135283773, ClinGen allele CA376522363.
Genomic context (GRCh38, chr10:54,020,328, plus strand): 5'-ATACTTGCTTCTTGGTCTGGAAATGCCTCATAATCTAAACTCCTTAAAAGCGATAGTTCT[C>T]CTGTAAATGGATGTAGTGCAAAAAAGTGCTTCACTTCTGGGCTTCTTATCCGGTAAGACA-3'
Protein context (NP_001371069.1, residues 862-882): KHFFALHPFT[Gly872Glu]ELSLLRSLDY